The following is an entry in ClinVar:

NM_032776.3(JMJD1C):c.3595A>C (p.Ser1199Arg)

Gene: JMJD1C (jumonji domain containing 1C; minus strand). Cytogenetic location: 10q21.3.
Variant type: single nucleotide variant.
Coding change: c.3595A>C on transcript NM_032776.3 (MANE Select); coding-DNA position 3595, A replaced by C.
Protein change: p.Ser1199Arg; replaces serine 1199 with arginine.
Molecular consequence: missense variant. On other transcripts: non-coding transcript variant (1).
Genome position (GRCh38, 1-based): chr10:63,208,074, T>G on the plus strand (A>C on the coding strand, the complement: JMJD1C is on the minus strand). VCF-style: chr10-63208074-T-G. GRCh37 (hg19) VCF-style: chr10-64967834-T-G.
Other names: c.3049A>C, p.Ser1017Arg (NM_001282948.2, NM_001318154.2); c.2731A>C, p.Ser911Arg (NM_001318153.2); c.3481A>C, p.Ser1161Arg (NM_001322252.2); c.2938A>C, p.Ser980Arg (NM_001322254.2, NM_001322258.2); short protein forms S1161R, S1199R, S980R, S1017R, S911R.
Identifiers: ClinVar variation 639178 (VCV000639178.8), dbSNP rs762894410, ClinGen allele CA5518400.

ClinVar aggregate classification (germline): Uncertain significance (1 of 4 stars; one submission).

Conditions:
Early Myoclonic Encephalopathy. Identifiers: MedGen C0270855.

Allele frequency attached by ClinVar (database versions not stated): gnomAD 0.00001; gnomAD exomes 0.00001; TOPMed 0.00001; ExAC 0.00002.
gnomAD v4.1: 6 of 1,614,046 alleles (0.00037%); highest among the groups gnomAD compares: African/African-American, 0.008%; no homozygotes.

Submission:

Labcorp Genetics (formerly Invitae), Labcorp
Classification: Uncertain significance for Early Myoclonic Encephalopathy. Last evaluated: 2023-08-24. Review status: criteria provided, single submitter. Criteria: Invitae Variant Classification Sherloc (09022015). Collection method: clinical testing. Allele origin: germline.
Comment: In summary, the available evidence is currently insufficient to determine the role of this variant in disease. Therefore, it has been classified as a Variant of Uncertain Significance. Advanced modeling of protein sequence and biophysical properties (such as structural, functional, and spatial information, amino acid conservation, physicochemical variation, residue mobility, and thermodynamic stability) has been performed at Invitae for this missense variant, however the output from this modeling did not meet the statistical confidence thresholds required to predict the impact of this variant on JMJD1C protein function. ClinVar contains an entry for this variant (Variation ID: 639178). This variant has not been reported in the literature in individuals affected with JMJD1C-related conditions. This variant is present in population databases (rs762894410, gnomAD 0.02%). This sequence change replaces serine, which is neutral and polar, with arginine, which is basic and polar, at codon 1199 of the JMJD1C protein (p.Ser1199Arg).